The following is an entry in ClinVar:

ClinVar aggregate classification (germline): Uncertain significance (1 of 4 stars; one submission).

Allele frequency attached by ClinVar (database versions not stated): ExAC 0.00005.

Submission:

Labcorp Genetics (formerly Invitae), Labcorp
Classification: Uncertain significance. Last evaluated: 2022-09-27. Review status: criteria provided, single submitter. Criteria: Invitae Variant Classification Sherloc (09022015). Collection method: clinical testing. Allele origin: germline.
Comment: This variant is present in population databases (rs765604383, gnomAD 0.03%), including at least one homozygous and/or hemizygous individual. In summary, the available evidence is currently insufficient to determine the role of this variant in disease. Therefore, it has been classified as a Variant of Uncertain Significance. Advanced modeling of protein sequence and biophysical properties (such as structural, functional, and spatial information, amino acid conservation, physicochemical variation, residue mobility, and thermodynamic stability) performed at Invitae indicates that this missense variant is not expected to disrupt GJB4 protein function. This variant has not been reported in the literature in individuals affected with GJB4-related conditions. This sequence change replaces valine, which is neutral and non-polar, with isoleucine, which is neutral and non-polar, at codon 63 of the GJB4 protein (p.Val63Ile).

NM_153212.3(GJB4):c.187G>A (p.Val63Ile)

Gene: GJB4 (gap junction protein beta 4; plus strand). Cytogenetic location: 1p34.3.
Variant type: single nucleotide variant.
Coding change: c.187G>A on transcript NM_153212.3 (MANE Select); coding-DNA position 187, G replaced by A.
Protein change: p.Val63Ile; replaces valine 63 with isoleucine.
Molecular consequence: missense variant.
Genome position (GRCh38, 1-based): chr1:34,761,441, G>A. VCF-style: chr1-34761441-G-A. GRCh37 (hg19) VCF-style: chr1-35227042-G-A.
Other names: short protein forms V63I.
Identifiers: ClinVar variation 2414795 (VCV002414795.6), dbSNP rs765604383, ClinGen allele CA754504.